The following is an entry in ClinVar:

ClinVar aggregate classification (germline): Likely benign (1 of 4 stars; one submission).

Allele frequency attached by ClinVar (database versions not stated): TOPMed 0.00002; gnomAD 0.00003; gnomAD exomes 0.00003; 1000 Genomes Project 30x 0.00016; 1000 Genomes Project 0.00020.
gnomAD v4.1: 43 of 1,510,184 alleles (0.0028%); highest among the groups gnomAD compares: East Asian, 0.017%; no homozygotes.

Submission:

CeGaT Center for Human Genetics Tuebingen
Classification: Likely benign. Last evaluated: 2022-05-01. Review status: criteria provided, single submitter. Criteria: CeGaT Center For Human Genetics Tuebingen Variant Classification Criteria Version 2. Collection method: clinical testing. Allele origin: germline. Affected: yes. Observed: 1 variant allele.
Comment: ZFHX2: BP4, BP7

NM_033400.3(ZFHX2):c.2628G>A (p.Ala876=)

Genes: THTPA (thiamine triphosphatase; plus strand), ZFHX2 (zinc finger homeobox 2; minus strand). Cytogenetic location: 14q11.2.
Variant type: single nucleotide variant.
Coding change: c.2628G>A on transcript NM_033400.3 (MANE Select); coding-DNA position 2628, G replaced by A.
Protein change: p.Ala876=; no amino-acid change (alanine 876 retained).
Molecular consequence: synonymous variant.
Genome position (GRCh38, 1-based): chr14:23,531,653, C>T on the plus strand (G>A on the coding strand, the complement: ZFHX2 is on the minus strand). VCF-style: chr14-23531653-C-T. GRCh37 (hg19) VCF-style: chr14-24000862-C-T.
Identifiers: ClinVar variation 2644117 (VCV002644117.24), dbSNP rs552258401, ClinGen allele CA257796789.